The following is an entry in ClinVar:

NM_001851.6(COL9A1):c.626G>A (p.Arg209Lys)

Gene: COL9A1 (collagen type IX alpha 1 chain; minus strand). Cytogenetic location: 6q13.
Variant type: single nucleotide variant.
Coding change: c.626G>A on transcript NM_001851.6 (MANE Select); coding-DNA position 626, G replaced by A.
Protein change: p.Arg209Lys; replaces arginine 209 with lysine.
Molecular consequence: missense variant.
Genome position (GRCh38, 1-based): chr6:70,294,237, C>T on the plus strand (G>A on the coding strand, the complement: COL9A1 is on the minus strand). VCF-style: chr6-70294237-C-T. GRCh37 (hg19) VCF-style: chr6-71003940-C-T.
Other names: c.626G>A (NM_001851.4, NM_001851.5); c.626G>A, p.Arg209Lys (NM_001377291.1); short protein forms R209K.
Identifiers: ClinVar variation 499848 (VCV000499848.13), dbSNP rs571441243, ClinGen allele CA3882766.

ClinVar aggregate classification (germline): Uncertain significance. Review status: criteria provided, multiple submitters, no conflicts (2 of 4 stars). 5 submissions from 5 submitters: Uncertain significance (5). Last evaluated 2024-07-16.

Conditions:
Inborn genetic diseases. Identifiers: MedGen C0950123, MeSH D030342.
Stickler syndrome, type 4 (STL4). Identifiers: Orphanet 250984, Orphanet 828, MedGen C3279941, MONDO:0013590, OMIM 614134.
Epiphyseal dysplasia, multiple, 6. Also called: COL9A1-Related Multiple Epiphyseal Dysplasia. Identifiers: MedGen C2675767, MONDO:0013591, OMIM 614135.

Allele frequency attached by ClinVar (database versions not stated): gnomAD 0.00001; TOPMed 0.00001; ExAC 0.00002; gnomAD exomes 0.00003; 1000 Genomes Project 30x 0.00016; 1000 Genomes Project 0.00020.
gnomAD v4.1: 14 of 1,614,062 alleles (0.00087%); highest among the groups gnomAD compares: East Asian, 0.011%; no homozygotes.

Submissions (5):

Ambry Genetics
Classification: Uncertain significance for Inborn genetic diseases. Last evaluated: 2024-07-16. Review status: criteria provided, single submitter. Criteria: Ambry Variant Classification Scheme 2023. Collection method: clinical testing. Allele origin: germline.

Labcorp Genetics (formerly Invitae), Labcorp
Classification: Uncertain significance. Last evaluated: 2022-09-13. Review status: criteria provided, single submitter. Criteria: Invitae Variant Classification Sherloc (09022015). Collection method: clinical testing. Allele origin: germline.
Comment: This sequence change replaces arginine, which is basic and polar, with lysine, which is basic and polar, at codon 209 of the COL9A1 protein (p.Arg209Lys). This variant is present in population databases (rs571441243, gnomAD 0.03%). This variant has not been reported in the literature in individuals affected with COL9A1-related conditions. ClinVar contains an entry for this variant (Variation ID: 499848). Advanced modeling of protein sequence and biophysical properties (such as structural, functional, and spatial information, amino acid conservation, physicochemical variation, residue mobility, and thermodynamic stability) performed at Invitae indicates that this missense variant is not expected to disrupt COL9A1 protein function. In summary, the available evidence is currently insufficient to determine the role of this variant in disease. Therefore, it has been classified as a Variant of Uncertain Significance.

Revvity Omics, Revvity
Classification: Uncertain significance. Last evaluated: 2021-08-24. Review status: criteria provided, single submitter. Criteria: ACMG Guidelines, 2015. Collection method: clinical testing. Allele origin: germline.

Fulgent Genetics
Classification: Uncertain significance for Stickler syndrome, type 4; Epiphyseal dysplasia, multiple, 6. Last evaluated: 2018-10-31. Review status: criteria provided, single submitter. Criteria: ACMG Guidelines, 2015. Collection method: clinical testing. Allele origin: unknown.

Eurofins Ntd Llc (ga)
Classification: Uncertain significance. Last evaluated: 2017-01-12. Review status: criteria provided, single submitter. Criteria: EGL Classification Definitions 2015. Collection method: clinical testing. Allele origin: germline. Observed: 2 variant alleles, 2 heterozygotes.